The following is an entry in ClinVar:

ClinVar aggregate classification (germline): Likely benign. Review status: criteria provided, multiple submitters, no conflicts (2 of 4 stars). 2 submissions from 2 submitters: Likely benign (2). Last evaluated 2025-01-20.

Conditions:
Cardiovascular phenotype. Identifiers: MedGen CN230736.

Allele frequency attached by ClinVar (database versions not stated): gnomAD 0.00004; ExAC 0.00001; TOPMed 0.00005; gnomAD exomes 0.00004.
gnomAD v4.1: 60 of 1,614,006 alleles (0.0037%); highest among the groups gnomAD compares: Admixed American, 0.005%; no homozygotes.

Submissions (2):

Mayo Clinic Laboratories, Mayo Clinic
Classification: Likely benign. Last evaluated: 2025-01-20. Review status: criteria provided, single submitter. Criteria: ACMG Guidelines, 2015. Collection method: clinical testing. Allele origin: germline. Observed: 1 variant allele.
Comment: BP4, BP7

Ambry Genetics
Classification: Likely benign for Cardiovascular phenotype. Last evaluated: 2019-12-05. Review status: criteria provided, single submitter. Criteria: Ambry Variant Classification Scheme 2023. Collection method: clinical testing. Allele origin: germline.

NM_004444.5(EPHB4):c.1710A>G (p.Arg570=)

Gene: EPHB4 (EPH receptor B4; minus strand). Cytogenetic location: 7q22.1.
Variant type: single nucleotide variant.
Coding change: c.1710A>G on transcript NM_004444.5 (MANE Select); coding-DNA position 1710, A replaced by G.
Protein change: p.Arg570=; no amino-acid change (arginine 570 retained).
Molecular consequence: synonymous variant.
Genome position (GRCh38, 1-based): chr7:100,813,698, T>C on the plus strand (A>G on the coding strand, the complement: EPHB4 is on the minus strand). VCF-style: chr7-100813698-T-C. GRCh37 (hg19) VCF-style: chr7-100411320-T-C.
Other names: p.Arg570=.
Identifiers: ClinVar variation 1778545 (VCV001778545.3), dbSNP rs779656278, ClinGen allele CA4392865.